The following is an entry in ClinVar:

NM_001378778.1(MPDZ):c.4080G>C (p.Leu1360Phe)

Gene: MPDZ (multiple PDZ domain crumbs cell polarity complex component; minus strand). Cytogenetic location: 9p23.
Variant type: single nucleotide variant.
Coding change: c.4080G>C on transcript NM_001378778.1 (MANE Select); coding-DNA position 4080, G replaced by C.
Protein change: p.Leu1360Phe; replaces leucine 1360 with phenylalanine.
Molecular consequence: missense variant.
Genome position (GRCh38, 1-based): chr9:13,138,077, C>G on the plus strand (G>C on the coding strand, the complement: MPDZ is on the minus strand). VCF-style: chr9-13138077-C-G. GRCh37 (hg19) VCF-style: chr9-13138076-C-G.
Other names: c.4080G>C (NM_003829.3); c.3981G>C, p.Leu1327Phe (NM_001261406.2, NM_001261407.2, NM_001375416.1 and 3 more transcripts); c.4080G>C, p.Leu1360Phe (NM_001330637.2, NM_001375413.1, NM_003829.5); c.3870G>C, p.Leu1290Phe (NM_001375420.1, NM_001375421.1, NM_001375422.1 and 4 more transcripts); c.3672G>C, p.Leu1224Phe (NM_001375427.1); short protein forms L1290F, L1360F, L1224F, L1327F.
Identifiers: ClinVar variation 1041148 (VCV001041148.11), dbSNP rs543556436, ClinGen allele CA4986836.

ClinVar aggregate classification (germline): Uncertain significance. Review status: criteria provided, multiple submitters, no conflicts (2 of 4 stars). 2 submissions from 2 submitters: Uncertain significance (2). Last evaluated 2026-01-19.

Conditions:
Inborn genetic diseases. Identifiers: MedGen C0950123, MeSH D030342.

Allele frequency attached by ClinVar (database versions not stated): gnomAD below 0.00001 and 0.00002; TOPMed 0.00005; ExAC 0.00010; 1000 Genomes Project 0.00020; 1000 Genomes Project 30x 0.00031.
gnomAD v4.1: 80 of 1,613,726 alleles (0.005%); highest among the groups gnomAD compares: South Asian, 0.069%; no homozygotes.

Submissions (2):

Labcorp Genetics (formerly Invitae), Labcorp
Classification: Uncertain significance. Last evaluated: 2026-01-19. Review status: criteria provided, single submitter. Criteria: Invitae Variant Classification Sherloc (09022015). Collection method: clinical testing. Allele origin: germline.
Comment: This sequence change replaces leucine, which is neutral and non-polar, with phenylalanine, which is neutral and non-polar, at codon 1360 of the MPDZ protein (p.Leu1360Phe). This variant is present in population databases (rs543556436, gnomAD 0.07%). This variant has not been reported in the literature in individuals affected with MPDZ-related conditions. ClinVar contains an entry for this variant (Variation ID: 1041148). An algorithm developed to predict the effect of missense changes on protein structure and function (PolyPhen-2) suggests that this variant is likely to be disruptive. In summary, the available evidence is currently insufficient to determine the role of this variant in disease. Therefore, it has been classified as a Variant of Uncertain Significance.

Ambry Genetics
Classification: Uncertain significance for Inborn genetic diseases. Last evaluated: 2025-09-25. Review status: criteria provided, single submitter. Criteria: Ambry Variant Classification Scheme 2023. Collection method: clinical testing. Allele origin: germline.